The following is an entry in ClinVar:

ClinVar aggregate classification (germline): Likely pathogenic. Review status: criteria provided, single submitter (1 of 4 stars). 2 submissions from 2 submitters: Likely pathogenic (1). 1 of the submissions does not count toward it. Last evaluated 2025-12-19.

Conditions:
Ornithine carbamoyltransferase deficiency (OTCD). Also called: Ornithine Carbamoyltransferase Deficiency Disease; OTC DEFICIENCY; ORNITHINE TRANSCARBAMYLASE DEFICIENCY; ORNITHINE TRANSCARBAMYLASE DEFICIENCY, HYPERAMMONEMIA DUE TO. Identifiers: Orphanet 664, MedGen C0268542, MONDO:0010703, OMIM 311250.

Submissions (2):

Molecular Diagnostics Laboratory, M Health Fairview: University of Minnesota
Classification: Likely pathogenic for Ornithine carbamoyltransferase deficiency. Last evaluated: 2025-12-19. Review status: criteria provided, single submitter. Criteria: ACMG Guidelines, 2015. Collection method: clinical testing. Allele origin: germline. Affected: yes.

GenMed Metabolism Lab
Classification: Pathogenic. Review status: no assertion criteria provided. Collection method: not provided. Allele origin: unknown. Not counted in ClinVar's aggregate classification.
Comment: Neonatal, Donor splice site error
ClinVar note: Converted during submission from pathogenic to Pathogenic.

NM_000531.6(OTC):c.1005+1G>T

Gene: OTC (ornithine transcarbamylase; plus strand). Cytogenetic location: Xp11.4.
Variant type: single nucleotide variant.
Coding change: c.1005+1G>T on transcript NM_000531.6 (MANE Select); the canonical splice donor site of the intron after coding-DNA position 1005, G replaced by T.
Molecular consequence: splice donor variant.
Genome position (GRCh38, 1-based): chrX:38,412,000, G>T. VCF-style: chrX-38412000-G-T. GRCh37 (hg19) VCF-style: chrX-38271253-G-T.
Other names: c.1005+1G>T (NM_001407092.1).
Identifiers: ClinVar variation 97089 (VCV000097089.3), dbSNP rs72558483, ClinGen allele CA224430.